The following is an entry in ClinVar:

NM_001303256.3(MORC2):c.175C>T (p.Arg59Ter)

Gene: MORC2 (MORC family CW-type zinc finger 2; minus strand). Cytogenetic location: 22q12.2.
Variant type: single nucleotide variant.
Coding change: c.175C>T on transcript NM_001303256.3 (MANE Select); coding-DNA position 175, C replaced by T.
Protein change: p.Arg59Ter; replaces arginine 59 with a stop codon.
Molecular consequence: nonsense. On other transcripts: 5 prime UTR variant (1).
Genome position (GRCh38, 1-based): chr22:30,950,428, G>A on the plus strand (C>T on the coding strand, the complement: MORC2 is on the minus strand). VCF-style: chr22-30950428-G-A. GRCh37 (hg19) VCF-style: chr22-31346414-G-A.
Other names: c.175C>T, p.Arg59Ter (NM_001303257.2); c.-12C>T (NM_014941.3); short protein forms R59*.
Identifiers: ClinVar variation 3651460 (VCV003651460.2).

ClinVar aggregate classification (germline): Uncertain significance (1 of 4 stars; one submission).

Conditions:
Charcot-Marie-Tooth disease axonal type 2Z. Also called: CHARCOT-MARIE-TOOTH DISEASE, AXONAL, AUTOSOMAL DOMINANT, TYPE 2Z; CHARCOT-MARIE-TOOTH NEUROPATHY, TYPE 2Z. Identifiers: Orphanet 466768, MedGen C5569025, MONDO:0014736, OMIM 616688.

gnomAD v4.1: 3 of 1,552,984 alleles (0.00019%); highest among the groups gnomAD compares: Non-Finnish European, 0.00026%; no homozygotes.

Submission:

Labcorp Genetics (formerly Invitae), Labcorp
Classification: Uncertain significance for Charcot-Marie-Tooth disease axonal type 2Z. Last evaluated: 2024-05-28. Review status: criteria provided, single submitter. Criteria: Invitae Variant Classification Sherloc (09022015). Collection method: clinical testing. Allele origin: germline.
Comment: This sequence change creates a premature translational stop signal (p.Arg59*) in the MORC2 gene. It is expected to result in an absent or disrupted protein product. However, the current clinical and genetic evidence is not sufficient to establish whether loss-of-function variants in MORC2 cause disease. This variant is present in population databases (no rsID available, gnomAD 0.0009%). This variant has not been reported in the literature in individuals affected with MORC2-related conditions. In summary, the available evidence is currently insufficient to determine the role of this variant in disease. Therefore, it has been classified as a Variant of Uncertain Significance.